The following is an entry in ClinVar:

NM_001122955.4(BSCL2):c.285T>G (p.Phe95Leu)

Genes: BSCL2 (BSCL2 lipid droplet biogenesis associated, seipin; minus strand), HNRNPUL2-BSCL2 (HNRNPUL2-BSCL2 readthrough (NMD candidate); minus strand). Cytogenetic location: 11q12.3.
Variant type: single nucleotide variant.
Coding change: c.285T>G on transcript NM_001122955.4 (MANE Select); coding-DNA position 285, T replaced by G.
Protein change: p.Phe95Leu; replaces phenylalanine 95 with leucine.
Molecular consequence: missense variant. On other transcripts: non-coding transcript variant (1).
Genome position (GRCh38, 1-based): chr11:62,705,420, A>C on the plus strand (T>G on the coding strand, the complement: BSCL2 is on the minus strand). VCF-style: chr11-62705420-A-C. GRCh37 (hg19) VCF-style: chr11-62472892-A-C.
Other names: p.Phe31Leu; c.93T>G, p.Phe31Leu (NM_001130702.2, NM_032667.6); c.285T>G, p.Phe95Leu (NM_001386027.1, NM_001386028.1); short protein forms F31L, F95L.
Identifiers: ClinVar variation 660571 (VCV000660571.10), dbSNP rs568354548, ClinGen allele CA223641624.

ClinVar aggregate classification (germline): Uncertain significance. Review status: criteria provided, multiple submitters, no conflicts (2 of 4 stars). 3 submissions from 3 submitters: Uncertain significance (3). Last evaluated 2024-08-21.

Conditions:
Charcot-Marie-Tooth disease type 2. Also called: Charcot-Marie-Tooth type 2. Identifiers: Orphanet 64746, MedGen C0270914, MONDO:0018993.

Allele frequency attached by ClinVar (database versions not stated): TOPMed 0.00001; gnomAD exomes 0.00002 and 0.00001; gnomAD 0.00001.
gnomAD v4.1: 36 of 1,614,114 alleles (0.0022%); highest among the groups gnomAD compares: Middle Eastern, 0.016%; no homozygotes.

Submissions (3):

Women's Health and Genetics/Laboratory Corporation of America, LabCorp
Classification: Uncertain significance. Last evaluated: 2024-08-21. Review status: criteria provided, single submitter. Criteria: LabCorp Variant Classification Summary - May 2015. Collection method: clinical testing. Allele origin: germline.
Comment: Variant summary: BSCL2 c.93T>G (p.Phe31Leu) results in a non-conservative amino acid change in the encoded protein sequence. Three of five in-silico tools predict a benign effect of the variant on protein function. The variant allele was found at a frequency of 8e-06 in 251284 control chromosomes. The available data on variant occurrences in the general population are insufficient to allow any conclusion about variant significance. To our knowledge, no occurrence of c.93T>G in individuals affected with BSCL2-Related Disorders and no experimental evidence demonstrating its impact on protein function have been reported. ClinVar contains an entry for this variant (Variation ID: 660571). Based on the evidence outlined above, the variant was classified as uncertain significance.

Labcorp Genetics (formerly Invitae), Labcorp
Classification: Uncertain significance for Charcot-Marie-Tooth disease type 2. Last evaluated: 2024-06-26. Review status: criteria provided, single submitter. Criteria: Invitae Variant Classification Sherloc (09022015). Collection method: clinical testing. Allele origin: germline.
Comment: This sequence change replaces phenylalanine, which is neutral and non-polar, with leucine, which is neutral and non-polar, at codon 31 of the BSCL2 protein (p.Phe31Leu). This variant is present in population databases (rs568354548, gnomAD 0.002%). This variant has not been reported in the literature in individuals affected with BSCL2-related conditions. ClinVar contains an entry for this variant (Variation ID: 660571). Advanced modeling of protein sequence and biophysical properties (such as structural, functional, and spatial information, amino acid conservation, physicochemical variation, residue mobility, and thermodynamic stability) performed at Invitae indicates that this missense variant is not expected to disrupt BSCL2 protein function with a negative predictive value of 80%. In summary, the available evidence is currently insufficient to determine the role of this variant in disease. Therefore, it has been classified as a Variant of Uncertain Significance.

Mayo Clinic Laboratories, Mayo Clinic
Classification: Uncertain significance. Last evaluated: 2022-11-25. Review status: criteria provided, single submitter. Criteria: ACMG Guidelines, 2015. Collection method: clinical testing. Allele origin: germline. Observed: 1 variant allele.